The following is an entry in ClinVar:

NM_153000.5(APCDD1):c.877G>A (p.Gly293Arg)

Gene: APCDD1 (APC down-regulated 1; plus strand). Cytogenetic location: 18p11.22.
Variant type: single nucleotide variant.
Coding change: c.877G>A on transcript NM_153000.5 (MANE Select); coding-DNA position 877, G replaced by A.
Protein change: p.Gly293Arg; replaces glycine 293 with arginine.
Molecular consequence: missense variant.
Genome position (GRCh38, 1-based): chr18:10,485,564, G>A. VCF-style: chr18-10485564-G-A. GRCh37 (hg19) VCF-style: chr18-10485561-G-A.
Other names: c.877G>A (NM_153000.4); short protein forms G293R.
Identifiers: ClinVar variation 2148074 (VCV002148074.8), dbSNP rs150205350, ClinGen allele CA8891152.

ClinVar aggregate classification (germline): Uncertain significance. Review status: criteria provided, multiple submitters, no conflicts (2 of 4 stars). 3 submissions from 3 submitters: Uncertain significance (3). Last evaluated 2025-12-24.

Conditions:
Hypotrichosis 1. Also called: HYPOTRICHOSIS SIMPLEX, GENERALIZED, HEREDITARY; Hereditary hypotrichosis simplex. Identifiers: Orphanet 55654, MedGen C4551976, MONDO:0011549, OMIM 605389.

Allele frequency attached by ClinVar (database versions not stated): ExAC 0.00026; gnomAD 0.00035; TOPMed 0.00042; ESP Exome Variant Server 0.00046; gnomAD exomes 0.00047.

Submissions (3):

Labcorp Genetics (formerly Invitae), Labcorp
Classification: Uncertain significance. Last evaluated: 2025-12-24. Review status: criteria provided, single submitter. Criteria: Invitae Variant Classification Sherloc (09022015). Collection method: clinical testing. Allele origin: germline.
Comment: This sequence change replaces glycine, which is neutral and non-polar, with arginine, which is basic and polar, at codon 293 of the APCDD1 protein (p.Gly293Arg). This variant is present in population databases (rs150205350, gnomAD 0.05%), and has an allele count higher than expected for a pathogenic variant. This variant has not been reported in the literature in individuals affected with APCDD1-related conditions. ClinVar contains an entry for this variant (Variation ID: 2148074). Invitae Evidence Modeling of protein sequence and biophysical properties (such as structural, functional, and spatial information, amino acid conservation, physicochemical variation, residue mobility, and thermodynamic stability) indicates that this missense variant is expected to disrupt APCDD1 protein function with a positive predictive value of 80%. In summary, the available evidence is currently insufficient to determine the role of this variant in disease. Therefore, it has been classified as a Variant of Uncertain Significance.

Ambry Genetics
Classification: Uncertain significance. Last evaluated: 2025-06-10. Review status: criteria provided, single submitter. Criteria: Ambry Variant Classification Scheme 2023. Collection method: clinical testing. Allele origin: germline.

Department of Pathology and Laboratory Medicine, Sinai Health System
Classification: Uncertain significance for hypotrichosis 1. Last evaluated: 2022-04-22. Review status: criteria provided, single submitter. Criteria: ACMG Guidelines, 2015. Collection method: research. Allele origin: germline.